The following is an entry in ClinVar:

NM_001358235.2(DCHS2):c.1841C>T (p.Ala614Val)

Gene: DCHS2 (dachsous cadherin-related 2; minus strand). Cytogenetic location: 4q31.3.
Variant type: single nucleotide variant.
Coding change: c.1841C>T on transcript NM_001358235.2 (MANE Select); coding-DNA position 1841, C replaced by T.
Protein change: p.Ala614Val; replaces alanine 614 with valine.
Molecular consequence: missense variant.
Genome position (GRCh38, 1-based): chr4:154,489,515, G>A on the plus strand (C>T on the coding strand, the complement: DCHS2 is on the minus strand). VCF-style: chr4-154489515-G-A. GRCh37 (hg19) VCF-style: chr4-155410667-G-A.
Other names: c.1841C>T, p.Ala614Val (NM_001142552.2, NM_001412223.1); short protein forms A614V.
Identifiers: ClinVar variation 3060622 (VCV003060622.2), dbSNP rs55810732, ClinGen allele CA3113790.

ClinVar aggregate classification (germline): Benign (0 of 4 stars; one submission).

Conditions:
DCHS2-related disorder. Also called: DCHS2-related condition.

Allele frequency attached by ClinVar (database versions not stated): ESP Exome Variant Server 0.13841; 1000 Genomes Project 30x 0.16693; 1000 Genomes Project 0.17173.
gnomAD v4.1: 287,816 of 1,551,224 alleles (19%); highest among the groups gnomAD compares: Admixed American, 32%; 28,625 homozygotes.

Submission:

PreventionGenetics, part of Exact Sciences
Classification: Benign for DCHS2-related condition. Last evaluated: 2019-10-18. Review status: no assertion criteria provided. Collection method: clinical testing. Allele origin: germline.
Comment: This variant is classified as benign based on ACMG/AMP sequence variant interpretation guidelines (Richards et al. 2015 PMID: 25741868, with internal and published modifications).